The following is an entry in ClinVar:

ClinVar aggregate classification (germline): Uncertain significance. Review status: criteria provided, multiple submitters, no conflicts (2 of 4 stars). 2 submissions from 2 submitters: Uncertain significance (2). Last evaluated 2025-06-12.

Conditions:
Cardiovascular phenotype. Identifiers: MedGen CN230736.
RASopathy. Also called: Noonan spectrum disorder; rasopathies. Identifiers: Orphanet 536391, MedGen C5555857, MONDO:0021060.

Allele frequency attached by ClinVar (database versions not stated): gnomAD exomes below 0.00001.
gnomAD v4.1: 3 of 1,614,116 alleles (0.00019%); highest among the groups gnomAD compares: Non-Finnish European, 0.00017%; no homozygotes.

Submissions (2):

Labcorp Genetics (formerly Invitae), Labcorp
Classification: Uncertain significance for RASopathy. Last evaluated: 2025-06-12. Review status: criteria provided, single submitter. Criteria: Invitae Variant Classification Sherloc (09022015). Collection method: clinical testing. Allele origin: germline.
Comment: This sequence change replaces isoleucine, which is neutral and non-polar, with valine, which is neutral and non-polar, at codon 536 of the RAF1 protein (p.Ile536Val). This variant is not present in population databases (gnomAD no frequency). This variant has not been reported in the literature in individuals affected with RAF1-related conditions. ClinVar contains an entry for this variant (Variation ID: 2626570). Invitae Evidence Modeling incorporating data from in vitro experimental studies (internal data) indicates that this missense variant is not expected to disrupt RAF1 function with a negative predictive value of 95%. In summary, the available evidence is currently insufficient to determine the role of this variant in disease. Therefore, it has been classified as a Variant of Uncertain Significance.

Ambry Genetics
Classification: Uncertain significance for Cardiovascular phenotype. Last evaluated: 2023-08-29. Review status: criteria provided, single submitter. Criteria: Ambry Variant Classification Scheme 2023. Collection method: clinical testing. Allele origin: germline.
Comment: The p.I536V variant (also known as c.1606A>G), located in coding exon 14 of the RAF1 gene, results from an A to G substitution at nucleotide position 1606. The isoleucine at codon 536 is replaced by valine, an amino acid with highly similar properties. This amino acid position is conserved. In addition, the in silico prediction for this alteration is inconclusive. Since supporting evidence is limited at this time, the clinical significance of this alteration remains unclear.

NM_002880.4(RAF1):c.1606A>G (p.Ile536Val)

Gene: RAF1 (Raf-1 proto-oncogene, serine/threonine kinase; minus strand). Cytogenetic location: 3p25.2.
Variant type: single nucleotide variant.
Coding change: c.1606A>G on transcript NM_002880.4 (MANE Select); coding-DNA position 1606, A replaced by G.
Protein change: p.Ile536Val; replaces isoleucine 536 with valine.
Molecular consequence: missense variant. On other transcripts: non-coding transcript variant (3).
Genome position (GRCh38, 1-based): chr3:12,585,184, T>C on the plus strand (A>G on the coding strand, the complement: RAF1 is on the minus strand). VCF-style: chr3-12585184-T-C. GRCh37 (hg19) VCF-style: chr3-12626683-T-C.
Other names: c.1423A>G, p.Ile475Val (NM_001354694.3); c.1264A>G, p.Ile422Val (NM_001354695.3); c.1666A>G, p.Ile556Val (NM_001354689.3); c.1606A>G, p.Ile536Val (NM_001354690.3); c.1363A>G, p.Ile455Val (NM_001354691.3, NM_001354692.3); c.1507A>G, p.Ile503Val (NM_001354693.3); short protein forms I455V, I475V, I536V, I503V, I422V, I556V.
Identifiers: ClinVar variation 2626570 (VCV002626570.4), dbSNP rs2125322338, ClinGen allele CA351497594.